The following is an entry in ClinVar:

ClinVar aggregate classification (germline): Uncertain significance. Review status: criteria provided, multiple submitters, no conflicts (2 of 4 stars). 3 submissions from 3 submitters: Uncertain significance (3). Last evaluated 2023-11-07.

Conditions:
Hereditary cancer-predisposing syndrome. Also called: Neoplastic Syndromes, Hereditary; Tumor predisposition; Hereditary Cancer Syndrome; Hereditary neoplastic syndrome. Identifiers: Orphanet 140162, MedGen C0027672, MeSH D009386, MONDO:0015356.
Breast-ovarian cancer, familial, susceptibility to, 4. Identifiers: Orphanet 145, MedGen C3280345, MONDO:0013669, OMIM 614291.

Allele frequency attached by ClinVar (database versions not stated): gnomAD exomes below 0.00001.
gnomAD v4.1: 1 of 1,613,858 alleles (0.000062%); highest among the groups gnomAD compares: African/African-American, 0.0013%; no homozygotes.

Submissions (3):

Baylor Genetics
Classification: Uncertain significance for Breast-ovarian cancer, familial, susceptibility to, 4. Last evaluated: 2023-11-07. Review status: criteria provided, single submitter. Criteria: ACMG Guidelines, 2015. Collection method: clinical testing. Allele origin: unknown.

Ambry Genetics
Classification: Uncertain significance for Hereditary cancer-predisposing syndrome. Last evaluated: 2023-03-10. Review status: criteria provided, single submitter. Criteria: Ambry Variant Classification Scheme 2023. Collection method: clinical testing. Allele origin: germline.
Comment: The p.G315V variant (also known as c.944G>T), located in coding exon 10 of the RAD51D gene, results from a G to T substitution at nucleotide position 944. The glycine at codon 315 is replaced by valine, an amino acid with dissimilar properties. This amino acid position is highly conserved in available vertebrate species. In addition, this alteration is predicted to be possibly damaging and deleterious by PolyPhen and SIFT in silico analyses, respectively. Since supporting evidence is limited at this time, the clinical significance of this alteration remains unclear.

Labcorp Genetics (formerly Invitae), Labcorp
Classification: Uncertain significance for Breast-ovarian cancer, familial, susceptibility to, 4. Last evaluated: 2021-10-04. Review status: criteria provided, single submitter. Criteria: Invitae Variant Classification Sherloc (09022015). Collection method: clinical testing. Allele origin: germline.
Comment: This sequence change replaces glycine with valine at codon 315 of the RAD51D protein (p.Gly315Val). The glycine residue is moderately conserved and there is a moderate physicochemical difference between glycine and valine. This variant is not present in population databases (ExAC no frequency). This variant has not been reported in the literature in individuals affected with RAD51D-related conditions. ClinVar contains an entry for this variant (Variation ID: 231621). Algorithms developed to predict the effect of missense changes on protein structure and function are either unavailable or do not agree on the potential impact of this missense change (SIFT: "Deleterious"; PolyPhen-2: "Benign"; Align-GVGD: "Class C0"). Algorithms developed to predict the effect of sequence changes on RNA splicing suggest that this variant may create or strengthen a splice site. In summary, the available evidence is currently insufficient to determine the role of this variant in disease. Therefore, it has been classified as a Variant of Uncertain Significance.

NM_002878.4(RAD51D):c.944G>T (p.Gly315Val)

Genes: RAD51L3-RFFL (RAD51L3-RFFL readthrough; minus strand), RAD51D (RAD51 paralog D; minus strand). Cytogenetic location: 17q12.
Variant type: single nucleotide variant.
Coding change: c.944G>T on transcript NM_002878.4 (MANE Select); coding-DNA position 944, G replaced by T.
Protein change: p.Gly315Val; replaces glycine 315 with valine.
Molecular consequence: missense variant. On other transcripts: non-coding transcript variant (2).
Genome position (GRCh38, 1-based): chr17:35,100,996, C>A on the plus strand (G>T on the coding strand, the complement: RAD51D is on the minus strand). VCF-style: chr17-35100996-C-A. GRCh37 (hg19) VCF-style: chr17-33428015-C-A.
Other names: c.1004G>T, p.Gly335Val (NM_001142571.2); c.608G>T, p.Gly203Val (NM_133629.3); short protein forms G315V, G335V, G203V.
Identifiers: ClinVar variation 231621 (VCV000231621.11), dbSNP rs786203144, ClinGen allele CA10580439.